The following is an entry in ClinVar:

ClinVar aggregate classification (germline): Pathogenic (1 of 4 stars; one submission).

Conditions:
Cardiovascular phenotype. Identifiers: MedGen CN230736.

Submission:

Ambry Genetics
Classification: Pathogenic for Cardiovascular phenotype. Last evaluated: 2022-12-30. Review status: criteria provided, single submitter. Criteria: Ambry Variant Classification Scheme 2023. Collection method: clinical testing. Allele origin: germline.
Comment: The c.4578delC pathogenic mutation, located in coding exon 23 of the DSP gene, results from a deletion of one nucleotide at nucleotide position 4578, causing a translational frameshift with a predicted alternate stop codon (p.N1526Kfs*3). This variant is considered to be rare based on population cohorts in the Genome Aggregation Database (gnomAD). Alterations in DSP that result in haploinsufficiency or protein truncation have been reported in patients with arrhythmogenic right ventricular cardiomyopathy (ARVC) and dilated cardiomyopathy (DCM) (Fressart V et al. Europace. 2010;12(6):861-8; Elliott P et al. Circ Cardiovasc Genet. 2010;3(4):314-22; Quarta G et al. Circulation. 2011;123(23):2701-9; Garcia-Pavia P et al. Heart. 2011;97(21):1744-52; Rasmussen TB et al. Clin Genet. 2013;84(1):20-30; Pugh TJ et al. Genet Med. 2014;16(8):601-8). This alteration is expected to result in loss of function by premature protein truncation or nonsense-mediated mRNA decay. Based on the supporting evidence, this alteration is interpreted as a disease-causing mutation.

NM_004415.4(DSP):c.4578del (p.Asn1526fs)

Gene: DSP (desmoplakin; plus strand). Cytogenetic location: 6p24.3.
Variant type: Deletion.
Coding change: c.4578del on transcript NM_004415.4 (MANE Select); coding-DNA position 4578, one base deleted (C; older notation c.4578delC).
Protein change: p.Asn1526fs; shifts the reading frame from asparagine 1526.
Molecular consequence: frameshift variant. On other transcripts: intron variant (2).
Genome position (GRCh38, 1-based): chr6:7,580,768, C deleted. VCF-style (leftmost placement, unchanged base first): chr6-7580767-AC-A. GRCh37 (hg19) VCF-style: chr6-7581000-AC-A.
Other names: c.4050+528del (NM_001319034.2); c.3582+996del (NM_001008844.3); short protein forms N1526fs.
Identifiers: ClinVar variation 2453247 (VCV002453247.2), dbSNP rs2533929312, ClinGen allele CA2580075388.